The following is an entry in ClinVar:

ClinVar aggregate classification (germline): Uncertain significance. Review status: criteria provided, multiple submitters, no conflicts (2 of 4 stars). 2 submissions from 2 submitters: Uncertain significance (2). Last evaluated 2025-02-24.

gnomAD v4.1: 2 of 1,535,688 alleles (0.00013%); highest among the groups gnomAD compares: Admixed American, 0.0039%; no homozygotes.

Submissions (2):

GeneDx
Classification: Uncertain significance. Last evaluated: 2025-02-24. Review status: criteria provided, single submitter. Criteria: GeneDx Variant Classification Process June 2021. Collection method: clinical testing. Allele origin: germline.
Comment: In silico analysis supports that this missense variant has a deleterious effect on protein structure/function; Has not been previously published as pathogenic or benign to our knowledge

Labcorp Genetics (formerly Invitae), Labcorp
Classification: Uncertain significance. Last evaluated: 2022-02-09. Review status: criteria provided, single submitter. Criteria: Invitae Variant Classification Sherloc (09022015). Collection method: clinical testing. Allele origin: germline.
Comment: This sequence change replaces arginine, which is basic and polar, with glycine, which is neutral and non-polar, at codon 936 of the PDZD7 protein (p.Arg936Gly). This variant is present in population databases (no rsID available, gnomAD 0.01%). This variant has not been reported in the literature in individuals affected with PDZD7-related conditions. Algorithms developed to predict the effect of missense changes on protein structure and function are either unavailable or do not agree on the potential impact of this missense change (SIFT: "Deleterious"; PolyPhen-2: "Not Available"; Align-GVGD: "Class C0"). In summary, the available evidence is currently insufficient to determine the role of this variant in disease. Therefore, it has been classified as a Variant of Uncertain Significance.

NM_001195263.2(PDZD7):c.2806C>G (p.Arg936Gly)

Gene: PDZD7 (PDZ domain containing 7; minus strand). Cytogenetic location: 10q24.31.
Variant type: single nucleotide variant.
Coding change: c.2806C>G on transcript NM_001195263.2 (MANE Select); coding-DNA position 2806, C replaced by G.
Protein change: p.Arg936Gly; replaces arginine 936 with glycine.
Molecular consequence: missense variant.
Genome position (GRCh38, 1-based): chr10:101,008,763, G>C on the plus strand (C>G on the coding strand, the complement: PDZD7 is on the minus strand). VCF-style: chr10-101008763-G-C. GRCh37 (hg19) VCF-style: chr10-102768520-G-C.
Other names: c.2806C>G (NM_001195263.1); short protein forms R936G.
Identifiers: ClinVar variation 1958071 (VCV001958071.4), dbSNP rs746485256, ClinGen allele CA378223309.